The following is an entry in ClinVar:

NM_003036.4(SKI):c.1043A>C (p.Glu348Ala)

Gene: SKI (SKI proto-oncogene; plus strand). Cytogenetic location: 1p36.32.
Variant type: single nucleotide variant.
Coding change: c.1043A>C on transcript NM_003036.4 (MANE Select); coding-DNA position 1043, A replaced by C.
Protein change: p.Glu348Ala; replaces glutamic acid 348 with alanine.
Molecular consequence: missense variant.
Genome position (GRCh38, 1-based): chr1:2,303,051, A>C. VCF-style: chr1-2303051-A-C. GRCh37 (hg19) VCF-style: chr1-2234490-A-C.
Other names: short protein forms E348A.
Identifiers: ClinVar variation 2754328 (VCV002754328.3), dbSNP rs780767199, ClinGen allele CA337954087.

ClinVar aggregate classification (germline): Uncertain significance (1 of 4 stars; one submission).

Conditions:
Shprintzen-Goldberg syndrome (SGS). Also called: Marfanoid disorder with craniosynostosis type 1; Marfanoid craniosynostosis syndrome; Shprintzen-Goldberg marfanoid syndrome; SHPRINTZEN-GOLDBERG CRANIOSYNOSTOSIS SYNDROME; CRANIOSYNOSTOSIS WITH ARACHNODACTYLY AND ABDOMINAL HERNIAS. Identifiers: Orphanet 2462, MedGen C1321551, MONDO:0008426, OMIM 182212.

Submission:

Labcorp Genetics (formerly Invitae), Labcorp
Classification: Uncertain significance for Shprintzen-Goldberg syndrome. Last evaluated: 2023-09-04. Review status: criteria provided, single submitter. Criteria: Invitae Variant Classification Sherloc (09022015). Collection method: clinical testing. Allele origin: germline.
Comment: Advanced modeling of protein sequence and biophysical properties (such as structural, functional, and spatial information, amino acid conservation, physicochemical variation, residue mobility, and thermodynamic stability) has been performed at Invitae for this missense variant, however the output from this modeling did not meet the statistical confidence thresholds required to predict the impact of this variant on SKI protein function. This variant has not been reported in the literature in individuals affected with SKI-related conditions. This variant is not present in population databases (gnomAD no frequency). This sequence change replaces glutamic acid, which is acidic and polar, with alanine, which is neutral and non-polar, at codon 348 of the SKI protein (p.Glu348Ala). In summary, the available evidence is currently insufficient to determine the role of this variant in disease. Therefore, it has been classified as a Variant of Uncertain Significance.